The following is an entry in ClinVar:

ClinVar aggregate classification (germline): Uncertain significance (1 of 4 stars; one submission).

Allele frequency attached by ClinVar (database versions not stated): TOPMed below 0.00001.

Submission:

Labcorp Genetics (formerly Invitae), Labcorp
Classification: Uncertain significance. Last evaluated: 2022-05-04. Review status: criteria provided, single submitter. Criteria: Invitae Variant Classification Sherloc (09022015). Collection method: clinical testing. Allele origin: germline.
Comment: In summary, the available evidence is currently insufficient to determine the role of this variant in disease. Therefore, it has been classified as a Variant of Uncertain Significance. Algorithms developed to predict the effect of missense changes on protein structure and function are either unavailable or do not agree on the potential impact of this missense change (SIFT: "Deleterious"; PolyPhen-2: "Benign"; Align-GVGD: "Class C65"). This variant has not been reported in the literature in individuals affected with NBAS-related conditions. This variant is not present in population databases (gnomAD no frequency). This sequence change replaces glutamic acid, which is acidic and polar, with alanine, which is neutral and non-polar, at codon 943 of the NBAS protein (p.Glu943Ala).

NM_015909.4(NBAS):c.2828A>C (p.Glu943Ala)

Gene: NBAS (NBAS subunit of NRZ tethering complex; minus strand). Cytogenetic location: 2p24.3.
Variant type: single nucleotide variant.
Coding change: c.2828A>C on transcript NM_015909.4 (MANE Select); coding-DNA position 2828, A replaced by C.
Protein change: p.Glu943Ala; replaces glutamic acid 943 with alanine.
Molecular consequence: missense variant. On other transcripts: non-coding transcript variant (1).
Genome position (GRCh38, 1-based): chr2:15,415,655, T>G on the plus strand (A>C on the coding strand, the complement: NBAS is on the minus strand). VCF-style: chr2-15415655-T-G. GRCh37 (hg19) VCF-style: chr2-15555779-T-G.
Other names: short protein forms E943A.
Identifiers: ClinVar variation 2133733 (VCV002133733.4), dbSNP rs1676893262, ClinGen allele CA345885776.
Genomic context (GRCh38, chr2:15,415,655, plus strand): 5'-TTAGCTAAAGTTACTAAATATTCTTTTAATAGCTCATTAGCCACACCAGGCGACTGTTTC[T>G]CACAACGATGAAGAAAGGGAACCATCCACTGGTAGGCACTTGTCACATATTTATCCTCAG-3'
Protein context (NP_056993.2, residues 933-953): QWMVPFLHRC[Glu943Ala]KQSPGVANEL